The following is an entry in ClinVar:

NM_003239.5(TGFB3):c.406G>A (p.Val136Met)

Gene: TGFB3 (transforming growth factor beta 3; minus strand). Cytogenetic location: 14q24.3.
Variant type: single nucleotide variant.
Coding change: c.406G>A on transcript NM_003239.5 (MANE Select); coding-DNA position 406, G replaced by A.
Protein change: p.Val136Met; replaces valine 136 with methionine.
Molecular consequence: missense variant.
Genome position (GRCh38, 1-based): chr14:75,971,665, C>T on the plus strand (G>A on the coding strand, the complement: TGFB3 is on the minus strand). VCF-style: chr14-75971665-C-T. GRCh37 (hg19) VCF-style: chr14-76438008-C-T.
Other names: c.406G>A, p.Val136Met (NM_001329938.2, NM_001329939.2); short protein forms V136M.
Identifiers: ClinVar variation 2828176 (VCV002828176.3), dbSNP rs1447808778, ClinGen allele CA390470170.

ClinVar aggregate classification (germline): Uncertain significance (1 of 4 stars; one submission).

Conditions:
Rienhoff syndrome. Also called: LOEYS-DIETZ SYNDROME 5. Identifiers: MedGen C3810012, MONDO:0014262, OMIM 615582.

Allele frequency attached by ClinVar (database versions not stated): gnomAD exomes below 0.00001.
gnomAD v4.1: 1 of 1,614,254 alleles (0.000062%); highest among the groups gnomAD compares: South Asian, 0.0011%; no homozygotes.

Submission:

Labcorp Genetics (formerly Invitae), Labcorp
Classification: Uncertain significance for Rienhoff syndrome. Last evaluated: 2024-01-04. Review status: criteria provided, single submitter. Criteria: Invitae Variant Classification Sherloc (09022015). Collection method: clinical testing. Allele origin: germline.
Comment: This sequence change replaces valine, which is neutral and non-polar, with methionine, which is neutral and non-polar, at codon 136 of the TGFB3 protein (p.Val136Met). This variant is present in population databases (no rsID available, gnomAD 0.003%). This variant has not been reported in the literature in individuals affected with TGFB3-related conditions. Advanced modeling of protein sequence and biophysical properties (such as structural, functional, and spatial information, amino acid conservation, physicochemical variation, residue mobility, and thermodynamic stability) performed at Invitae indicates that this missense variant is not expected to disrupt TGFB3 protein function with a negative predictive value of 80%. In summary, the available evidence is currently insufficient to determine the role of this variant in disease. Therefore, it has been classified as a Variant of Uncertain Significance.